The following is an entry in ClinVar:

NC_012920.1(MT-ND6):m.14312A>G

Gene: MT-ND6 (mitochondrially encoded NADH dehydrogenase 6; minus strand).
Variant type: single nucleotide variant.
Genome position: chrM-14312-A-G.
Identifiers: ClinVar variation 693707 (VCV000693707.1), dbSNP rs1603224665, ClinGen allele CA414821892.

ClinVar aggregate classification (germline): Benign (1 of 4 stars; one submission).

Conditions:
Leigh syndrome (NULS). Also called: Leigh's necrotizing encephalopathy; Leigh's disease; Leigh's syndrome; LEIGH SYNDROME, NUCLEAR; Leigh Syndrome (mtDNA deletion); Leigh Disease. Identifiers: Orphanet 506, MedGen C2931891, MONDO:0009723, OMIM 256000.

Submission:

Wong Mito Lab, Molecular and Human Genetics, Baylor College of Medicine
Classification: Benign for Leigh syndrome. Last evaluated: 2019-10-17. Review status: criteria provided, single submitter. Criteria: Modified ACMG Guidelines (Unpublished). Collection method: clinical testing. Allele origin: germline.
Comment: The NC_012920.1:m.14312A>G (YP_003024037.1:p.Val121Ala) variant in MTND6 gene is interpretated to be a Benign variant based on the modified ACMG guidelines (unpublished). This variant meets the following evidence codes: BS1, BS4, BP4